The following is an entry in ClinVar:

ClinVar aggregate classification (germline): Uncertain significance. Review status: criteria provided, multiple submitters, no conflicts (2 of 4 stars). 2 submissions from 2 submitters: Uncertain significance (2). Last evaluated 2025-08-26.

Conditions:
DICER1-related tumor predisposition. Also called: DICER1-related pleuropulmonary blastoma cancer predisposition syndrome; DICER1 syndrome. Identifiers: Orphanet 284343, MedGen C3839822, MONDO:0100216.
Hereditary cancer-predisposing syndrome. Also called: Tumor predisposition; Neoplastic Syndromes, Hereditary; Hereditary Cancer Syndrome; Hereditary neoplastic syndrome. Identifiers: Orphanet 140162, MedGen C0027672, MeSH D009386, MONDO:0015356.

Allele frequency attached by ClinVar (database versions not stated): gnomAD exomes below 0.00001.
gnomAD v4.1: 2 of 1,614,132 alleles (0.00012%); highest among the groups gnomAD compares: East Asian, 0.0045%; no homozygotes.

Submissions (2):

Labcorp Genetics (formerly Invitae), Labcorp
Classification: Uncertain significance for DICER1-related tumor predisposition. Last evaluated: 2025-08-26. Review status: criteria provided, single submitter. Criteria: Invitae Variant Classification Sherloc (09022015). Collection method: clinical testing. Allele origin: germline.
Comment: This sequence change replaces aspartic acid, which is acidic and polar, with glycine, which is neutral and non-polar, at codon 609 of the DICER1 protein (p.Asp609Gly). This variant is not present in population databases (gnomAD no frequency). This variant has not been reported in the literature in individuals affected with DICER1-related conditions. ClinVar contains an entry for this variant (Variation ID: 1780843). Invitae Evidence Modeling of protein sequence and biophysical properties (such as structural, functional, and spatial information, amino acid conservation, physicochemical variation, residue mobility, and thermodynamic stability) indicates that this missense variant is not expected to disrupt DICER1 protein function with a negative predictive value of 95%. In summary, the available evidence is currently insufficient to determine the role of this variant in disease. Therefore, it has been classified as a Variant of Uncertain Significance.

Ambry Genetics
Classification: Uncertain significance for Hereditary cancer-predisposing syndrome. Last evaluated: 2024-07-08. Review status: criteria provided, single submitter. Criteria: Ambry Variant Classification Scheme 2023. Collection method: clinical testing. Allele origin: germline.
Comment: The p.D609G variant (also known as c.1826A>G), located in coding exon 10 of the DICER1 gene, results from an A to G substitution at nucleotide position 1826. The aspartic acid at codon 609 is replaced by glycine, an amino acid with similar properties. This amino acid position is well conserved in available vertebrate species. In addition, the in silico prediction for this alteration is inconclusive. Based on the available evidence, the clinical significance of this variant remains unclear.

NM_177438.3(DICER1):c.1826A>G (p.Asp609Gly)

Gene: DICER1 (dicer 1, ribonuclease III; minus strand). Cytogenetic location: 14q32.13.
Variant type: single nucleotide variant.
Coding change: c.1826A>G on transcript NM_177438.3 (MANE Select); coding-DNA position 1826, A replaced by G.
Protein change: p.Asp609Gly; replaces aspartic acid 609 with glycine.
Molecular consequence: missense variant. On other transcripts: non-coding transcript variant (6).
Genome position (GRCh38, 1-based): chr14:95,115,748, T>C on the plus strand (A>G on the coding strand, the complement: DICER1 is on the minus strand). VCF-style: chr14-95115748-T-C. GRCh37 (hg19) VCF-style: chr14-95582085-T-C.
Other names: c.1826A>G, p.Asp609Gly (NM_001195573.1, NM_001271282.3, NM_001291628.2 and 13 more transcripts); c.1544A>G, p.Asp515Gly (NM_001395686.1); c.1421A>G, p.Asp474Gly (NM_001395687.1, NM_001395688.1, NM_001395689.1 and 3 more transcripts); c.1259A>G, p.Asp420Gly (NM_001395691.1); c.143A>G, p.Asp48Gly (NM_001395697.1); short protein forms D420G, D48G, D474G, D515G, D609G.
Identifiers: ClinVar variation 1780843 (VCV001780843.4), dbSNP rs1595406478, ClinGen allele CA390884046.